The following is an entry in ClinVar:

NM_000535.7(PMS2):c.2476G>T (p.Glu826Ter)

Gene: PMS2 (PMS1 homolog 2, mismatch repair system component; minus strand). Cytogenetic location: 7p22.1.
Variant type: single nucleotide variant.
Coding change: c.2476G>T on transcript NM_000535.7 (MANE Select); coding-DNA position 2476, G replaced by T.
Protein change: p.Glu826Ter; replaces glutamic acid 826 with a stop codon.
Molecular consequence: nonsense. On other transcripts: non-coding transcript variant (1).
Genome position (GRCh38, 1-based): chr7:5,973,512, C>A on the plus strand (G>T on the coding strand, the complement: PMS2 is on the minus strand). VCF-style: chr7-5973512-C-A. GRCh37 (hg19) VCF-style: chr7-6013143-C-A.
Other names: c.2071G>T, p.Glu691Ter (NM_001018040.1, NM_001322003.2, NM_001322004.2 and 12 more transcripts); c.2320G>T, p.Glu774Ter (NM_001322006.2); c.2158G>T, p.Glu720Ter (NM_001322007.2, NM_001322008.2, NM_001406883.1); c.2104G>T, p.Glu702Ter (NM_001322009.2, NM_001406887.1, NM_001406888.1); c.1915G>T, p.Glu639Ter (NM_001322010.2, NM_001406906.1, NM_001406907.1); c.1543G>T, p.Glu515Ter (NM_001322011.2, NM_001322012.2); c.1903G>T, p.Glu635Ter (NM_001322013.2, NM_001406908.1, NM_001406909.1); c.2509G>T, p.Glu837Ter (NM_001322014.2); and 20 more; short protein forms E425*, E664*, E671*, E704*, E714*, E720*, E734*, E774*.
Identifiers: ClinVar variation 1791841 (VCV001791841.2), dbSNP rs587782828, ClinGen allele CA366734981.

ClinVar aggregate classification (germline): Pathogenic (1 of 4 stars; one submission).

Conditions:
Hereditary cancer-predisposing syndrome. Also called: Hereditary Cancer Syndrome; Hereditary neoplastic syndrome; Tumor predisposition; Neoplastic Syndromes, Hereditary. Identifiers: Orphanet 140162, MedGen C0027672, MeSH D009386, MONDO:0015356.

Submission:

Ambry Genetics
Classification: Pathogenic for Hereditary cancer-predisposing syndrome. Last evaluated: 2018-07-18. Review status: criteria provided, single submitter. Criteria: Ambry Variant Classification Scheme 2023. Collection method: clinical testing. Allele origin: germline.
Comment: The p.E826* pathogenic mutation (also known as c.2476G>T), located in coding exon 15 of the PMS2 gene, results from a G to T substitution at nucleotide position 2476. This changes the amino acid from a glutamic acid to a stop codon within coding exon 15. This alteration is expected to result in loss of function by premature protein truncation. As such, this alteration is interpreted as a disease-causing mutation.